The following is an entry in ClinVar:

ClinVar aggregate classification (germline): Pathogenic (1 of 4 stars; one submission).

Conditions:
Tuberous sclerosis 2 (TSC2). Identifiers: Orphanet 805, MedGen C1860707, MONDO:0013199, OMIM 613254.

Submission:

Labcorp Genetics (formerly Invitae), Labcorp
Classification: Pathogenic for Tuberous sclerosis 2. Last evaluated: 2022-09-23. Review status: criteria provided, single submitter. Criteria: Invitae Variant Classification Sherloc (09022015). Collection method: clinical testing. Allele origin: germline.
Comment: This variant has not been reported in the literature in individuals affected with TSC2-related conditions. For these reasons, this variant has been classified as Pathogenic. This variant is not present in population databases (gnomAD no frequency). This sequence change creates a premature translational stop signal (p.Lys945Argfs*3) in the TSC2 gene. It is expected to result in an absent or disrupted protein product. Loss-of-function variants in TSC2 are known to be pathogenic (PMID: 10205261, 17304050).

Literature cited by the submitters: PubMed 10205261; PubMed 17304050.

NM_000548.5(TSC2):c.2832del (p.Lys945fs)

Gene: TSC2 (TSC complex subunit 2; plus strand). Cytogenetic location: 16p13.3.
Variant type: Deletion.
Coding change: c.2832del on transcript NM_000548.5 (MANE Select); coding-DNA position 2832, one base deleted (C; older notation c.2832delC).
Protein change: p.Lys945fs; shifts the reading frame from lysine 945.
Molecular consequence: frameshift variant.
Genome position (GRCh38, 1-based): chr16:2,076,580, C deleted; the last of 3 consecutive C bases (chr16:2,076,578-2,076,580); deleting any one gives the same sequence. VCF-style (leftmost placement, unchanged base first): chr16-2076577-AC-A. GRCh37 (hg19) VCF-style: chr16-2126578-AC-A.
Other names: c.2832del, p.Lys945fs (NM_001077183.3, NM_001114382.3, NM_001363528.2 and 3 more transcripts); c.2721del, p.Lys908fs (NM_001318827.2); c.2685del, p.Lys896fs (NM_001318829.2); c.2232del, p.Lys745fs (NM_001318831.2); c.2865del, p.Lys956fs (NM_001318832.2); c.2832delC, p.Lys945Argfs (NM_001406663.1, NM_001406664.1, NM_001406665.1); c.2922delC, p.Lys975Argfs (NM_001406667.1, NM_001406668.1); c.2721delC, p.Lys908Argfs (NM_001406670.1, NM_001406678.1); and 7 more; short protein forms K745fs, K896fs, K945fs, K956fs, K908fs.
Identifiers: ClinVar variation 2032043 (VCV002032043.4), dbSNP rs2543933474, ClinGen allele CA2580090879.